The following is an entry in ClinVar:

ClinVar aggregate classification (germline): Pathogenic. Review status: criteria provided, multiple submitters, no conflicts (2 of 4 stars). 2 submissions from 2 submitters: Pathogenic (2). Last evaluated 2024-10-31.

Conditions:
Inborn genetic diseases. Identifiers: MedGen C0950123, MeSH D030342.
Epilepsy, familial focal, with variable foci 3 (FFEVF3). Identifiers: MedGen C4310708, MONDO:0014925, OMIM 617118.

Submissions (2):

Labcorp Genetics (formerly Invitae), Labcorp
Classification: Pathogenic for Epilepsy, familial focal, with variable foci 3. Last evaluated: 2024-10-31. Review status: criteria provided, single submitter. Criteria: Invitae Variant Classification Sherloc (09022015). Collection method: clinical testing. Allele origin: germline.
Comment: This sequence change creates a premature translational stop signal (p.Gln311*) in the NPRL3 gene. It is expected to result in an absent or disrupted protein product. Loss-of-function variants in NPRL3 are known to be pathogenic (PMID: 26285051, 26505888). This variant is not present in population databases (gnomAD no frequency). This variant has not been reported in the literature in individuals affected with NPRL3-related conditions. ClinVar contains an entry for this variant (Variation ID: 846683). For these reasons, this variant has been classified as Pathogenic.

Ambry Genetics
Classification: Pathogenic for Inborn genetic diseases. Last evaluated: 2024-05-03. Review status: criteria provided, single submitter. Criteria: Ambry Variant Classification Scheme 2023. Collection method: clinical testing. Allele origin: germline.
Comment: The c.931C>T (p.Q311*) alteration, located in exon 10 (coding exon 9) of the NPRL3 gene, consists of a C to T substitution at nucleotide position 931. This changes the amino acid from a glutamine (Q) to a stop codon at amino acid position 311. This alteration is expected to result in loss of function by premature protein truncation or nonsense-mediated mRNA decay. This variant was not reported in population-based cohorts in the Genome Aggregation Database (gnomAD). Based on the available evidence, this alteration is classified as pathogenic.

Literature cited by the submitters: PubMed 26285051 (cited by Labcorp Genetics (formerly Invitae), Labcorp); PubMed 26505888 (cited by Labcorp Genetics (formerly Invitae), Labcorp).

NM_001077350.3(NPRL3):c.931C>T (p.Gln311Ter)

Genes: HBA-LCR (alpha-globin locus control region; plus strand), NPRL3 (NPR3 like, GATOR1 complex subunit; minus strand). Cytogenetic location: 16p13.3.
Variant type: single nucleotide variant.
Coding change: c.931C>T on transcript NM_001077350.3 (MANE Select); coding-DNA position 931, C replaced by T.
Protein change: p.Gln311Ter; replaces glutamine 311 with a stop codon.
Molecular consequence: nonsense.
Genome position (GRCh38, 1-based): chr16:93,319, G>A on the plus strand (C>T on the coding strand, the complement: NPRL3 is on the minus strand). VCF-style: chr16-93319-G-A. GRCh37 (hg19) VCF-style: chr16-143317-G-A.
Other names: c.394C>T, p.Gln132Ter (NM_001039476.3); c.697C>T, p.Gln233Ter (NM_001243247.2); c.856C>T, p.Gln286Ter (NM_001243248.2, NM_001243249.2); short protein forms Q311*, Q132*, Q233*, Q286*.
Identifiers: ClinVar variation 846683 (VCV000846683.8), dbSNP rs1898844513, ClinGen allele CA394053824.
Genomic context (GRCh38, chr16:93,319, plus strand): 5'-TCTCACACAGCGGGTAGATGATGATGGCCTTGCCCCAGTACACCAGATGAGCTGCAAGCT[G>A]GAAAACCTGCAGGCAAAAGGGAAGCTGCAAGGACCATGCCTGAGGCTGGCCCACCGGGAG-3'